The following is an entry in ClinVar:

NM_001364171.2(ODAD1):c.253C>T (p.Arg85Trp)

Gene: ODAD1 (outer dynein arm docking complex subunit 1; minus strand). Cytogenetic location: 19q13.33.
Variant type: single nucleotide variant.
Coding change: c.253C>T on transcript NM_001364171.2 (MANE Select); coding-DNA position 253, C replaced by T.
Protein change: p.Arg85Trp; replaces arginine 85 with tryptophan.
Molecular consequence: missense variant.
Genome position (GRCh38, 1-based): chr19:48,318,494, G>A on the plus strand (C>T on the coding strand, the complement: ODAD1 is on the minus strand). VCF-style: chr19-48318494-G-A. GRCh37 (hg19) VCF-style: chr19-48821751-G-A.
Other names: c.142C>T, p.Arg48Trp (NM_144577.4); short protein forms R48W, R85W.
Identifiers: ClinVar variation 938447 (VCV000938447.7), dbSNP rs746996781, ClinGen allele CA9549074.

ClinVar aggregate classification (germline): Uncertain significance (1 of 4 stars; one submission).

Conditions:
Primary ciliary dyskinesia. Also called: Ciliary dyskinesia. Identifiers: Orphanet 244, MedGen C0008780, MONDO:0016575, HP:0012265.

Allele frequency attached by ClinVar (database versions not stated): ExAC 0.00010; TOPMed 0.00002.
gnomAD v4.1: 35 of 1,551,482 alleles (0.0023%); highest among the groups gnomAD compares: South Asian, 0.0083%; 1 homozygote.

Submission:

Labcorp Genetics (formerly Invitae), Labcorp
Classification: Uncertain significance for Primary ciliary dyskinesia. Last evaluated: 2024-12-12. Review status: criteria provided, single submitter. Criteria: Invitae Variant Classification Sherloc (09022015). Collection method: clinical testing. Allele origin: germline.
Comment: This sequence change replaces arginine, which is basic and polar, with tryptophan, which is neutral and slightly polar, at codon 48 of the CCDC114 protein (p.Arg48Trp). This variant is present in population databases (rs746996781, gnomAD 0.02%). This variant has not been reported in the literature in individuals affected with CCDC114-related conditions. ClinVar contains an entry for this variant (Variation ID: 938447). An algorithm developed to predict the effect of missense changes on protein structure and function (PolyPhen-2) suggests that this variant is likely to be disruptive. In summary, the available evidence is currently insufficient to determine the role of this variant in disease. Therefore, it has been classified as a Variant of Uncertain Significance.